The following is an entry in ClinVar:

ClinVar aggregate classification (germline): Uncertain significance (1 of 4 stars; one submission).

Allele frequency attached by ClinVar (database versions not stated): TOPMed below 0.00001; ExAC 0.00002.

Submission:

Labcorp Genetics (formerly Invitae), Labcorp
Classification: Uncertain significance. Last evaluated: 2023-01-27. Review status: criteria provided, single submitter. Criteria: Invitae Variant Classification Sherloc (09022015). Collection method: clinical testing. Allele origin: germline.
Comment: This variant has not been reported in the literature in individuals affected with GPR88-related conditions. Algorithms developed to predict the effect of missense changes on protein structure and function are either unavailable or do not agree on the potential impact of this missense change (SIFT: "Deleterious"; PolyPhen-2: "Possibly Damaging"; Align-GVGD: "Class C0"). In summary, the available evidence is currently insufficient to determine the role of this variant in disease. Therefore, it has been classified as a Variant of Uncertain Significance. The frequency data for this variant in the population databases is considered unreliable, as metrics indicate poor data quality at this position in the gnomAD database. This sequence change replaces alanine, which is neutral and non-polar, with threonine, which is neutral and polar, at codon 320 of the GPR88 protein (p.Ala320Thr).

NM_022049.3(GPR88):c.958G>A (p.Ala320Thr)

Gene: GPR88 (G protein-coupled receptor 88; plus strand). Cytogenetic location: 1p21.2.
Variant type: single nucleotide variant.
Coding change: c.958G>A on transcript NM_022049.3 (MANE Select); coding-DNA position 958, G replaced by A.
Protein change: p.Ala320Thr; replaces alanine 320 with threonine.
Molecular consequence: missense variant.
Genome position (GRCh38, 1-based): chr1:100,539,924, G>A. VCF-style: chr1-100539924-G-A. GRCh37 (hg19) VCF-style: chr1-101005480-G-A.
Other names: short protein forms A320T.
Identifiers: ClinVar variation 1962330 (VCV001962330.5), dbSNP rs746699331, ClinGen allele CA971141.